The following is an entry in ClinVar:

ClinVar aggregate classification (germline): Uncertain significance (1 of 4 stars; one submission).

Conditions:
Spastic paraplegia. Identifiers: MedGen C0037772, HP:0001258.

Allele frequency attached by ClinVar (database versions not stated): gnomAD exomes below 0.00001; TOPMed below 0.00001.
gnomAD v4.1: 1 of 1,614,228 alleles (0.000062%); highest among the groups gnomAD compares: Admixed American, 0.0017%; no homozygotes.

Submission:

Labcorp Genetics (formerly Invitae), Labcorp
Classification: Uncertain significance for Spastic paraplegia. Last evaluated: 2026-01-26. Review status: criteria provided, single submitter. Criteria: Invitae Variant Classification Sherloc (09022015). Collection method: clinical testing. Allele origin: germline.
Comment: This sequence change replaces leucine, which is neutral and non-polar, with phenylalanine, which is neutral and non-polar, at codon 198 of the B4GALNT1 protein (p.Leu198Phe). This variant is present in population databases (no rsID available, gnomAD 0.003%). This variant has not been reported in the literature in individuals affected with B4GALNT1-related conditions. ClinVar contains an entry for this variant (Variation ID: 935730). Invitae Evidence Modeling of protein sequence and biophysical properties (such as structural, functional, and spatial information, amino acid conservation, physicochemical variation, residue mobility, and thermodynamic stability) indicates that this missense variant is not expected to disrupt B4GALNT1 protein function with a negative predictive value of 80%. In summary, the available evidence is currently insufficient to determine the role of this variant in disease. Therefore, it has been classified as a Variant of Uncertain Significance.

NM_001478.5(B4GALNT1):c.592C>T (p.Leu198Phe)

Gene: B4GALNT1 (beta-1,4-N-acetyl-galactosaminyltransferase 1; minus strand). Cytogenetic location: 12q13.3.
Variant type: single nucleotide variant.
Coding change: c.592C>T on transcript NM_001478.5 (MANE Select); coding-DNA position 592, C replaced by T.
Protein change: p.Leu198Phe; replaces leucine 198 with phenylalanine.
Molecular consequence: missense variant.
Genome position (GRCh38, 1-based): chr12:57,630,272, G>A on the plus strand (C>T on the coding strand, the complement: B4GALNT1 is on the minus strand). VCF-style: chr12-57630272-G-A. GRCh37 (hg19) VCF-style: chr12-58024055-G-A.
Other names: c.427C>T, p.Leu143Phe (NM_001276468.2); c.592C>T, p.Leu198Phe (NM_001276469.2); short protein forms L143F, L198F.
Identifiers: ClinVar variation 935730 (VCV000935730.11), dbSNP rs928391643, ClinGen allele CA237792119.